The following is an entry in ClinVar:

NM_001735.3(C5):c.1687A>G (p.Ile563Val)

Gene: C5 (complement C5; minus strand). Cytogenetic location: 9q33.2.
Variant type: single nucleotide variant.
Coding change: c.1687A>G on transcript NM_001735.3 (MANE Select); coding-DNA position 1687, A replaced by G.
Protein change: p.Ile563Val; replaces isoleucine 563 with valine.
Molecular consequence: missense variant.
Genome position (GRCh38, 1-based): chr9:121,017,672, T>C on the plus strand (A>G on the coding strand, the complement: C5 is on the minus strand). VCF-style: chr9-121017672-T-C. GRCh37 (hg19) VCF-style: chr9-123779950-T-C.
Other names: c.1705A>G, p.Ile569Val (NM_001317163.2); c.1687A>G, p.Ile563Val (NM_001317164.2); short protein forms I563V, I569V.
Identifiers: ClinVar variation 1914549 (VCV001914549.5), dbSNP rs368001045, ClinGen allele CA5218014.

ClinVar aggregate classification (germline): Uncertain significance. Review status: criteria provided, multiple submitters, no conflicts (2 of 4 stars). 2 submissions from 2 submitters: Uncertain significance (2). Last evaluated 2026-02-04.

Allele frequency attached by ClinVar (database versions not stated): gnomAD exomes 0.00001; ExAC 0.00002; ESP Exome Variant Server 0.00008; gnomAD 0.00009; TOPMed 0.00009.
gnomAD v4.1: 33 of 1,613,688 alleles (0.002%); highest among the groups gnomAD compares: African/African-American, 0.036%; no homozygotes.

Submissions (2):

Women's Health and Genetics/Laboratory Corporation of America, LabCorp
Classification: Uncertain significance. Last evaluated: 2026-02-04. Review status: criteria provided, single submitter. Criteria: LabCorp Variant Classification Summary - May 2015. Collection method: clinical testing. Allele origin: germline.
Comment: Variant summary: C5 c.1687A>G (p.Ile563Val) results in a conservative amino acid change in the encoded protein sequence. Algorithms developed to predict the effect of missense changes on protein structure and function all suggest that this variant is likely to be tolerated. The variant allele was found at a frequency of 4e-05 in 251222 control chromosomes. This frequency is not significantly higher than estimated for disease-causing variants in C5, allowing no conclusion about variant significance. To our knowledge, no occurrence of c.1687A>G in individuals affected with C5-related conditions and no experimental evidence demonstrating its impact on protein function have been reported. ClinVar contains an entry for this variant (Variation ID: 1914549). Based on the evidence outlined above, the variant was classified as uncertain significance.

Labcorp Genetics (formerly Invitae), Labcorp
Classification: Uncertain significance. Last evaluated: 2022-03-11. Review status: criteria provided, single submitter. Criteria: Invitae Variant Classification Sherloc (09022015). Collection method: clinical testing. Allele origin: germline.
Comment: This sequence change replaces isoleucine, which is neutral and non-polar, with valine, which is neutral and non-polar, at codon 563 of the C5 protein (p.Ile563Val). This variant is present in population databases (rs368001045, gnomAD 0.06%). This variant has not been reported in the literature in individuals affected with C5-related conditions. Algorithms developed to predict the effect of missense changes on protein structure and function output the following: SIFT: "Tolerated"; PolyPhen-2: "Benign"; Align-GVGD: "Class C0". The valine amino acid residue is found in multiple mammalian species, which suggests that this missense change does not adversely affect protein function. In summary, the available evidence is currently insufficient to determine the role of this variant in disease. Therefore, it has been classified as a Variant of Uncertain Significance.